The following is an entry in ClinVar:

ClinVar aggregate classification (germline): Uncertain significance. Review status: criteria provided, multiple submitters, no conflicts (2 of 4 stars). 3 submissions from 3 submitters: Uncertain significance (3). Last evaluated 2022-04-19.

Conditions:
D-2-hydroxyglutaric aciduria 1 (D2HGA1). Identifiers: Orphanet 79315, MedGen C3152055, MONDO:0024554, OMIM 600721.

Allele frequency attached by ClinVar (database versions not stated): gnomAD exomes below 0.00001 and 0.00002; gnomAD 0.00001; TOPMed 0.00001.
gnomAD v4.1: 25 of 1,613,918 alleles (0.0015%); highest among the groups gnomAD compares: Non-Finnish European, 0.0019%; no homozygotes.

Submissions (3):

Baylor Genetics
Classification: Uncertain significance for D-2-hydroxyglutaric aciduria 1. Last evaluated: 2022-04-19. Review status: criteria provided, single submitter. Criteria: ACMG Guidelines, 2015. Collection method: clinical testing. Allele origin: unknown.

GeneDx
Classification: Uncertain significance. Last evaluated: 2019-06-05. Review status: criteria provided, single submitter. Criteria: GeneDx Variant Classification Process June 2021. Collection method: clinical testing. Allele origin: germline. Affected: yes.
Comment: Not observed at a significant frequency in large population cohorts (Lek et al., 2016); In silico analysis, which includes protein predictors and evolutionary conservation, supports that this variant does not alter protein structure/function; Has not been previously published as pathogenic or benign to our knowledge

Illumina Laboratory Services, Illumina
Classification: Uncertain significance for D-2-hydroxyglutaric aciduria 1. Last evaluated: 2018-01-13. Review status: criteria provided, single submitter. Criteria: ICSL Variant Classification Criteria 13 December 2019. Collection method: clinical testing. Allele origin: germline.

NM_152783.5(D2HGDH):c.551G>A (p.Arg184Gln)

Gene: D2HGDH (D-2-hydroxyglutarate dehydrogenase; plus strand). Cytogenetic location: 2q37.3.
Variant type: single nucleotide variant.
Coding change: c.551G>A on transcript NM_152783.5 (MANE Select); coding-DNA position 551, G replaced by A.
Protein change: p.Arg184Gln; replaces arginine 184 with glutamine.
Molecular consequence: missense variant. On other transcripts: 5 prime UTR variant (1), non-coding transcript variant (1).
Genome position (GRCh38, 1-based): chr2:241,743,682, G>A. VCF-style: chr2-241743682-G-A. GRCh37 (hg19) VCF-style: chr2-242683097-G-A.
Other names: c.149G>A, p.Arg50Gln (NM_001287249.2); c.-11G>A (NM_001352824.2); short protein forms R184Q, R50Q.
Identifiers: ClinVar variation 898351 (VCV000898351.7), dbSNP rs927869057, ClinGen allele CA68589903.
Genomic context (GRCh38, chr2:241,743,682, plus strand): 5'-GAATTCTGGTTTGCCAGGCGGGCTGCGTCCTGGAGGAGCTGAGCCGGTATGTGGAGGAAC[G>A]GGACTTCATCATGCCGCTGGACTTAGGAGCCAAGGGCAGCTGCCACATCGGGGGAAACGT-3'
Protein context (NP_689996.4, residues 174-194): LEELSRYVEE[Arg184Gln]DFIMPLDLGA